The following is an entry in ClinVar:

NM_006922.4(SCN3A):c.3017T>C (p.Ile1006Thr)

Gene: SCN3A (sodium voltage-gated channel alpha subunit 3; minus strand). Cytogenetic location: 2q24.3.
Variant type: single nucleotide variant.
Coding change: c.3017T>C on transcript NM_006922.4 (MANE Select); coding-DNA position 3017, T replaced by C.
Protein change: p.Ile1006Thr; replaces isoleucine 1006 with threonine.
Molecular consequence: missense variant.
Genome position (GRCh38, 1-based): chr2:165,128,007, A>G on the plus strand (T>C on the coding strand, the complement: SCN3A is on the minus strand). VCF-style: chr2-165128007-A-G. GRCh37 (hg19) VCF-style: chr2-165984517-A-G.
Other names: c.2870T>C, p.Ile957Thr (NM_001081676.2, NM_001081677.2); short protein forms I1006T, I957T.
Identifiers: ClinVar variation 2663741 (VCV002663741.5), dbSNP rs1559208011, ClinGen allele CA349041370.
Genomic context (GRCh38, chr2:165,128,007, plus strand): 5'-AAACACTCCCGCATCTTATTTTTCACATAATCAATTCCCTTTTGCATTCTTCCTACTGCA[A>G]TCTGCAGATTATTCATTTCATTGTCATCATCAGTAGCAGCAAGGTTGTCTGAGCTAAATG-3'
Protein context (NP_008853.3, residues 996-1016): DDDNEMNNLQ[Ile1006Thr]AVGRMQKGID

ClinVar aggregate classification (germline): Uncertain significance. Review status: criteria provided, multiple submitters, no conflicts (2 of 4 stars). 2 submissions from 2 submitters: Uncertain significance (2). Last evaluated 2026-01-01.

Allele frequency attached by ClinVar (database versions not stated): gnomAD exomes below 0.00001.
gnomAD v4.1: 2 of 1,614,032 alleles (0.00012%); highest among the groups gnomAD compares: Non-Finnish European, 0.00017%; no homozygotes.

Submissions (2):

CeGaT Center for Human Genetics Tuebingen
Classification: Uncertain significance. Last evaluated: 2026-01-01. Review status: criteria provided, single submitter. Criteria: CeGaT Center For Human Genetics Tuebingen Variant Classification Criteria Version 2. Collection method: clinical testing. Allele origin: germline. Affected: yes. Observed: 1 variant allele.
Comment: SCN3A: PM2, PP3

GeneDx
Classification: Uncertain significance. Last evaluated: 2023-04-03. Review status: criteria provided, single submitter. Criteria: GeneDx Variant Classification Process June 2021. Collection method: clinical testing. Allele origin: germline. Affected: yes.
Comment: Not observed at significant frequency in large population cohorts (gnomAD); In silico analysis supports that this missense variant has a deleterious effect on protein structure/function; Has not been previously published as pathogenic or benign to our knowledge